The following is an entry in ClinVar:

NM_001458.5(FLNC):c.5273G>A (p.Arg1758Gln)

Gene: FLNC (filamin C; plus strand). Cytogenetic location: 7q32.1.
Variant type: single nucleotide variant.
Coding change: c.5273G>A on transcript NM_001458.5 (MANE Select); coding-DNA position 5273, G replaced by A.
Protein change: p.Arg1758Gln; replaces arginine 1758 with glutamine.
Molecular consequence: missense variant. On other transcripts: intron variant (1).
Genome position (GRCh38, 1-based): chr7:128,850,049, G>A. VCF-style: chr7-128850049-G-A. GRCh37 (hg19) VCF-style: chr7-128490103-G-A.
Other names: c.5200-335G>A (NM_001127487.2); short protein forms R1758Q.
Identifiers: ClinVar variation 839035 (VCV000839035.27), dbSNP rs573984029, ClinGen allele CA4475622.
Genomic context (GRCh38, chr7:128,850,049, plus strand): 5'-TGCCGCACGAGGAGGAGCCCTCTGAAGTGCCACAGCTGCGCCAGCCCTACGCTCCTCCCC[G>A]GCCCGGCGCCCGCCCCACACACTGGGTACTGCGCCTCCCACCAGGCGATGTCCTCCTCCT-3'
Protein context (NP_001449.3, residues 1748-1768): PQLRQPYAPP[Arg1758Gln]PGARPTHWAT

ClinVar aggregate classification (germline): Conflicting classifications of pathogenicity. Review status: criteria provided, conflicting classifications (1 of 4 stars). 6 submissions from 6 submitters: Uncertain significance (2); Likely benign (2). 2 of the submissions do not count toward it. Last evaluated 2025-10-07.

Conditions:
Myofibrillar myopathy 5. Also called: Filaminopathy (type); FILAMINOPATHY, AUTOSOMAL DOMINANT. Identifiers: Orphanet 171445, MedGen C1836050, MONDO:0012289, OMIM 609524.
Distal myopathy with posterior leg and anterior hand involvement. Also called: WILLIAMS DISTAL MYOPATHY. Identifiers: Orphanet 63273, MedGen C3279722, MONDO:0013550, OMIM 614065.
Hypertrophic cardiomyopathy 26. Also called: Cardiomyopathy, familial hypertrophic, 26. Identifiers: Orphanet 75249, MedGen C4310749, MONDO:0014883, OMIM 617047.
Cardiovascular phenotype. Identifiers: MedGen CN230736.

Allele frequency attached by ClinVar (database versions not stated): gnomAD exomes 0.00001; TOPMed 0.00002; gnomAD 0.00003; ExAC 0.00010; 1000 Genomes Project 30x 0.00016; 1000 Genomes Project 0.00020.
gnomAD v4.1: 25 of 1,546,030 alleles (0.0016%); highest among the groups gnomAD compares: African/African-American, 0.0054%; no homozygotes.

Submissions (6):

Labcorp Genetics (formerly Invitae), Labcorp
Classification: Likely benign for Distal myopathy with posterior leg and anterior hand involvement; Myofibrillar myopathy 5; Hypertrophic cardiomyopathy 26. Last evaluated: 2025-10-07. Review status: criteria provided, single submitter. Criteria: Invitae Variant Classification Sherloc (09022015). Collection method: clinical testing. Allele origin: germline.

CeGaT Center for Human Genetics Tuebingen
Classification: Likely benign. Last evaluated: 2024-11-01. Review status: criteria provided, single submitter. Criteria: CeGaT Center For Human Genetics Tuebingen Variant Classification Criteria Version 2. Collection method: clinical testing. Allele origin: germline. Affected: yes. Observed: 1 variant allele.
Comment: FLNC: BP4

Ambry Genetics
Classification: Uncertain significance for Cardiovascular phenotype. Last evaluated: 2023-11-23. Review status: criteria provided, single submitter. Criteria: Ambry Variant Classification Scheme 2023. Collection method: clinical testing. Allele origin: germline.
Comment: The p.R1758Q variant (also known as c.5273G>A), located in coding exon 31 of the FLNC gene, results from a G to A substitution at nucleotide position 5273. The arginine at codon 1758 is replaced by glutamine, an amino acid with highly similar properties. This amino acid position is well conserved in available vertebrate species; however, glutamine is the reference amino acid in other vertebrate species. In addition, this alteration is predicted to be tolerated by in silico analysis. Since supporting evidence is limited at this time, the clinical significance of this alteration remains unclear.

GeneDx
Classification: Uncertain significance. Last evaluated: 2020-02-03. Review status: criteria provided, single submitter. Criteria: GeneDx Variant Classification Process June 2021. Collection method: clinical testing. Allele origin: germline. Affected: yes.
Comment: Has not been previously published as pathogenic or benign to our knowledge; Not observed at a significant frequency in large population cohorts (Lek et al., 2016); In silico analysis supports that this missense variant does not alter protein structure/function

Genome Diagnostics Laboratory, University Medical Center Utrecht
Classification: Likely benign. Review status: no assertion criteria provided. Collection method: clinical testing. Allele origin: germline. Affected: yes. Study: VKGL Data-share Consensus. Not counted in ClinVar's aggregate classification.

Joint Genome Diagnostic Labs from Nijmegen and Maastricht, Radboudumc and MUMC+
Classification: Likely benign. Review status: no assertion criteria provided. Collection method: clinical testing. Allele origin: germline. Affected: yes. Study: VKGL Data-share Consensus. Not counted in ClinVar's aggregate classification.